The following is an entry in ClinVar:

ClinVar aggregate classification (germline): Uncertain significance (1 of 4 stars; one submission).

Allele frequency attached by ClinVar (database versions not stated): gnomAD exomes below 0.00001; ExAC 0.00002.
gnomAD v4.1: 6 of 1,614,260 alleles (0.00037%); highest among the groups gnomAD compares: South Asian, 0.0044%; no homozygotes.

Submission:

Labcorp Genetics (formerly Invitae), Labcorp
Classification: Uncertain significance. Last evaluated: 2024-10-25. Review status: criteria provided, single submitter. Criteria: Invitae Variant Classification Sherloc (09022015). Collection method: clinical testing. Allele origin: germline.
Comment: This sequence change replaces isoleucine, which is neutral and non-polar, with methionine, which is neutral and non-polar, at codon 95 of the ARPC1B protein (p.Ile95Met). This variant is present in population databases (rs371360829, gnomAD 0.002%). This variant has not been reported in the literature in individuals affected with ARPC1B-related conditions. ClinVar contains an entry for this variant (Variation ID: 1963135). Invitae Evidence Modeling of protein sequence and biophysical properties (such as structural, functional, and spatial information, amino acid conservation, physicochemical variation, residue mobility, and thermodynamic stability) indicates that this missense variant is not expected to disrupt ARPC1B protein function with a negative predictive value of 80%. In summary, the available evidence is currently insufficient to determine the role of this variant in disease. Therefore, it has been classified as a Variant of Uncertain Significance.

NM_005720.4(ARPC1B):c.285C>G (p.Ile95Met)

Gene: ARPC1B (actin related protein 2/3 complex subunit 1B; plus strand). Cytogenetic location: 7q22.1.
Variant type: single nucleotide variant.
Coding change: c.285C>G on transcript NM_005720.4 (MANE Select); coding-DNA position 285, C replaced by G.
Protein change: p.Ile95Met; replaces isoleucine 95 with methionine.
Molecular consequence: missense variant.
Genome position (GRCh38, 1-based): chr7:99,388,154, C>G. VCF-style: chr7-99388154-C-G. GRCh37 (hg19) VCF-style: chr7-98985777-C-G.
Other names: short protein forms I95M.
Identifiers: ClinVar variation 1963135 (VCV001963135.3), dbSNP rs371360829, ClinGen allele CA4363967.